The following is an entry in ClinVar:

ClinVar aggregate classification (germline): Likely pathogenic. Review status: criteria provided, multiple submitters, no conflicts (2 of 4 stars). 3 submissions from 3 submitters: Likely pathogenic (3). Last evaluated 2025-03-27.

Conditions:
Deficiency of acetyl-CoA acetyltransferase. Also called: 3-KETOTHIOLASE DEFICIENCY; 3-OXOTHIOLASE DEFICIENCY; Beta-ketothiolase deficiency; MITOCHONDRIAL ACETOACETYL-CoA THIOLASE DEFICIENCY. Identifiers: Orphanet 134, MedGen C1536500, MONDO:0008760, OMIM 203750. Disease mechanism: loss of function.

Submissions (3):

Department of Molecular Genetics, Istishari Arab Hospital
Classification: Likely pathogenic for Deficiency of acetyl-CoA acetyltransferase. Last evaluated: 2025-03-27. Review status: criteria provided, single submitter. Criteria: ACMG Guidelines, 2015. Collection method: clinical testing. Allele origin: inherited. Inheritance: Autosomal recessive inheritance. Affected: yes. Observed: 1 homozygote.
Comment: This complex in-frame deletion-insertion alters two conserved amino acids in a critical functional domain of ACAT1 (PM1, PM4). It has been previously reported as likely pathogenic in a peer-reviewed publication (PMID: 31268215) and has been observed in trans with pathogenic variants (PM3). The variant is extremely rare in population databases (PM2). In silico tools support a deleterious effect (PolyPhen-2: 0.97; CADD: 20.4; Alpha Missense Score: 0.79). Based on this evidence, the variant is classified as likely pathogenic, supported by ACMG criteria: PM1, PM2, PM3, PM4

GeneDx
Classification: Likely pathogenic. Last evaluated: 2025-03-13. Review status: criteria provided, single submitter. Criteria: GeneDx Variant Classification Process June 2021. Collection method: clinical testing. Allele origin: germline. Affected: yes.
Comment: Not observed at significant frequency in large population cohorts (gnomAD); In-frame deletion of 2 amino acids and insertion of 1 different amino acid in a non-repeat region; In silico analysis supports a deleterious effect on protein structure/function; This variant is associated with the following publications: (PMID: 31268215, 8892029)

Department of Pediatrics, Gifu University
Classification: Likely pathogenic for Deficiency of acetyl-CoA acetyltransferase. Last evaluated: 2019-05-05. Review status: criteria provided, single submitter. Criteria: ACMG Guidelines, 2015. Collection method: literature only. Allele origin: unknown. Affected: yes. Observed: 1 variant allele.

Literature cited by the submitters: PubMed 31268215 (cited by Department of Pediatrics, Gifu University).

NM_000019.4(ACAT1):c.1241_1245delinsGT (p.Asn414_Gly415delinsSer)

Gene: ACAT1 (acetyl-CoA acetyltransferase 1; plus strand). Cytogenetic location: 11q22.3.
Variant type: Indel.
Coding change: c.1241_1245delinsGT on transcript NM_000019.4 (MANE Select); coding-DNA positions 1241 to 1245, ATGGA replaced by GT.
Protein change: p.Asn414_Gly415delinsSer.
Molecular consequence: inframe indel.
Genome position (GRCh38, 1-based): chr11:108,147,347-108,147,351, ATGGA replaced by GT. VCF-style: chr11-108147347-ATGGA-GT. GRCh37 (hg19) VCF-style: chr11-108018074-ATGGA-GT.
Other names: p.(Asn414_Gly415delinsSer); c.1241_1245delATGGAinsGT (NM_000019.4).
Identifiers: ClinVar variation 666535 (VCV000666535.3), dbSNP rs1591375882, ClinGen allele CA915947701.